The following is an entry in ClinVar:

NM_001386795.1(DTNA):c.2020G>A (p.Val674Met)

Gene: DTNA (dystrobrevin alpha; plus strand). Cytogenetic location: 18q12.1.
Variant type: single nucleotide variant.
Coding change: c.2020G>A on transcript NM_001386795.1 (MANE Select); coding-DNA position 2020, G replaced by A.
Protein change: p.Val674Met; replaces valine 674 with methionine.
Molecular consequence: missense variant.
Genome position (GRCh38, 1-based): chr18:34,879,577, G>A. VCF-style: chr18-34879577-G-A. GRCh37 (hg19) VCF-style: chr18-32459541-G-A.
Other names: c.1759G>A, p.Val587Met (NM_001198938.2, NM_001198940.2, NM_001386753.1 and 5 more transcripts); c.1780G>A, p.Val594Met (NM_001198939.2); c.1066G>A, p.Val356Met (NM_001198942.1); c.1009G>A, p.Val337Met (NM_001198943.1); c.895G>A, p.Val299Met (NM_001198944.1); c.1849G>A, p.Val617Met (NM_001386754.1, NM_001386755.1, NM_001386756.1 and 3 more transcripts); c.2020G>A, p.Val674Met (NM_001386788.1); c.1939G>A, p.Val647Met (NM_001390.5); and 5 more; short protein forms V337M, V356M, V616M, V617M, V647M, V674M, V295M, V587M.
Identifiers: ClinVar variation 2076299 (VCV002076299.4), dbSNP rs2522919251, ClinGen allele CA402179853.

ClinVar aggregate classification (germline): Uncertain significance (1 of 4 stars; one submission).

Conditions:
Left ventricular noncompaction 1 (LVNC1). Also called: LEFT VENTRICULAR NONCOMPACTION 1 WITH OR WITHOUT CONGENITAL HEART DEFECTS. Identifiers: Orphanet 54260, MedGen C1858725, MONDO:0011403, OMIM 604169.

Allele frequency attached by ClinVar (database versions not stated): gnomAD exomes below 0.00001.
gnomAD v4.1: 1 of 1,614,082 alleles (0.000062%); highest among the groups gnomAD compares: African/African-American, 0.0013%; no homozygotes.

Submission:

Labcorp Genetics (formerly Invitae), Labcorp
Classification: Uncertain significance for Left ventricular noncompaction 1. Last evaluated: 2022-01-06. Review status: criteria provided, single submitter. Criteria: Invitae Variant Classification Sherloc (09022015). Collection method: clinical testing. Allele origin: germline.
Comment: This sequence change replaces valine, which is neutral and non-polar, with methionine, which is neutral and non-polar, at codon 647 of the DTNA protein (p.Val647Met). This variant is not present in population databases (gnomAD no frequency). This variant has not been reported in the literature in individuals affected with DTNA-related conditions. Algorithms developed to predict the effect of missense changes on protein structure and function (SIFT, PolyPhen-2, Align-GVGD) all suggest that this variant is likely to be tolerated. In summary, the available evidence is currently insufficient to determine the role of this variant in disease. Therefore, it has been classified as a Variant of Uncertain Significance.